The following is an entry in ClinVar:

ClinVar aggregate classification (germline): Uncertain significance. Review status: criteria provided, multiple submitters, no conflicts (2 of 4 stars). 6 submissions from 6 submitters: Uncertain significance (6). Last evaluated 2025-06-19.

Conditions:
Renal-hepatic-pancreatic dysplasia 2 (RHPD2). Identifiers: MedGen C3809434, MONDO:0014174, OMIM 615415.
Nephronophthisis 9 (NPHP9). Identifiers: Orphanet 655, MedGen C3151188, MONDO:0013444, OMIM 613824.
Polycystic kidney disease 8. Identifiers: MedGen C5935640, MONDO:0971178, OMIM 620903.
Inborn genetic diseases. Identifiers: MedGen C0950123, MeSH D030342.

Allele frequency attached by ClinVar (database versions not stated): gnomAD exomes 0.00002; gnomAD 0.00003; TOPMed 0.00005; ExAC 0.00007.
gnomAD v4.1: 37 of 1,614,056 alleles (0.0023%); highest among the groups gnomAD compares: Admixed American, 0.0067%; no homozygotes.

Submissions (6):

Revvity Omics, Revvity
Classification: Uncertain significance. Last evaluated: 2025-06-19. Review status: criteria provided, single submitter. Criteria: ACMG Guidelines, 2015. Collection method: clinical testing. Allele origin: germline.

Labcorp Genetics (formerly Invitae), Labcorp
Classification: Uncertain significance for Nephronophthisis 9. Last evaluated: 2025-06-14. Review status: criteria provided, single submitter. Criteria: Invitae Variant Classification Sherloc (09022015). Collection method: clinical testing. Allele origin: germline.
Comment: This sequence change replaces valine, which is neutral and non-polar, with methionine, which is neutral and non-polar, at codon 281 of the NEK8 protein (p.Val281Met). This variant is present in population databases (rs746614881, gnomAD 0.01%). This variant has not been reported in the literature in individuals affected with NEK8-related conditions. ClinVar contains an entry for this variant (Variation ID: 1962255). An algorithm developed to predict the effect of missense changes on protein structure and function (PolyPhen-2) suggests that this variant is likely to be tolerated. In summary, the available evidence is currently insufficient to determine the role of this variant in disease. Therefore, it has been classified as a Variant of Uncertain Significance.

Ambry Genetics
Classification: Uncertain significance for Inborn genetic diseases. Last evaluated: 2025-06-12. Review status: criteria provided, single submitter. Criteria: Ambry Variant Classification Scheme 2023. Collection method: clinical testing. Allele origin: germline.

GeneDx
Classification: Uncertain significance. Last evaluated: 2025-01-31. Review status: criteria provided, single submitter. Criteria: GeneDx Variant Classification Process June 2021. Collection method: clinical testing. Allele origin: germline. Affected: yes.
Comment: In silico analysis indicates that this missense variant does not alter protein structure/function; Has not been previously published as pathogenic or benign to our knowledge

CeGaT Center for Human Genetics Tuebingen
Classification: Uncertain significance. Last evaluated: 2024-06-01. Review status: criteria provided, single submitter. Criteria: CeGaT Center For Human Genetics Tuebingen Variant Classification Criteria Version 2. Collection method: clinical testing. Allele origin: germline. Affected: yes. Observed: 1 variant allele.
Comment: NEK8: PM2:Supporting, BP4

Fulgent Genetics
Classification: Uncertain significance for Nephronophthisis 9; Renal-hepatic-pancreatic dysplasia 2; Polycystic kidney disease 8. Last evaluated: 2024-01-09. Review status: criteria provided, single submitter. Criteria: ACMG Guidelines, 2015. Collection method: clinical testing. Allele origin: germline.

NM_178170.3(NEK8):c.841G>A (p.Val281Met)

Gene: NEK8 (NIMA related kinase 8; plus strand). Cytogenetic location: 17q11.2.
Variant type: single nucleotide variant.
Coding change: c.841G>A on transcript NM_178170.3 (MANE Select); coding-DNA position 841, G replaced by A.
Protein change: p.Val281Met; replaces valine 281 with methionine.
Molecular consequence: missense variant.
Genome position (GRCh38, 1-based): chr17:28,737,688, G>A. VCF-style: chr17-28737688-G-A. GRCh37 (hg19) VCF-style: chr17-27064706-G-A.
Other names: c.841G>A (NM_178170.2); short protein forms V281M.
Identifiers: ClinVar variation 1962255 (VCV001962255.24), dbSNP rs746614881, ClinGen allele CA8467213.
Genomic context (GRCh38, chr17:28,737,688, plus strand): 5'-GGAATGTCAGGAGGGTCTTTGTCCTTAGGCCCCCATCTGTCCTGCAGGGCAGAGAAGTCC[G>A]TGGCCCCCAGCAACACAGGGAGCAGGACCACCAGTGTCCGCTGCAGAGGTAAGTGGGAAG-3'
Protein context (NP_835464.1, residues 271-291): SVRMRRAEKS[Val281Met]APSNTGSRTT